The following is an entry in ClinVar:

ClinVar aggregate classification (germline): Uncertain significance (1 of 4 stars; one submission).

Conditions:
Cardiovascular phenotype. Identifiers: MedGen CN230736.

Allele frequency attached by ClinVar (database versions not stated): gnomAD exomes 0.00001; ExAC 0.00002.
gnomAD v4.1: 8 of 1,607,542 alleles (0.0005%); highest among the groups gnomAD compares: South Asian, 0.0011%; no homozygotes.

Submission:

Ambry Genetics
Classification: Uncertain significance for Cardiovascular phenotype. Last evaluated: 2021-10-07. Review status: criteria provided, single submitter. Criteria: Ambry Variant Classification Scheme 2023. Collection method: clinical testing. Allele origin: germline.
Comment: The p.R1151W variant (also known as c.3451C>T), located in coding exon 24 of the MYH6 gene, results from a C to T substitution at nucleotide position 3451. The arginine at codon 1151 is replaced by tryptophan, an amino acid with dissimilar properties. This amino acid position is conserved. In addition, this alteration is predicted to be deleterious by in silico analysis. Since supporting evidence is limited at this time, the clinical significance of this alteration remains unclear.

NM_002471.4(MYH6):c.3451C>T (p.Arg1151Trp)

Gene: MYH6 (myosin heavy chain 6; minus strand). Cytogenetic location: 14q11.2.
Variant type: single nucleotide variant.
Coding change: c.3451C>T on transcript NM_002471.4 (MANE Select); coding-DNA position 3451, C replaced by T.
Protein change: p.Arg1151Trp; replaces arginine 1151 with tryptophan.
Molecular consequence: missense variant.
Genome position (GRCh38, 1-based): chr14:23,390,338, G>A on the plus strand (C>T on the coding strand, the complement: MYH6 is on the minus strand). VCF-style: chr14-23390338-G-A. GRCh37 (hg19) VCF-style: chr14-23859547-G-A.
Other names: short protein forms R1151W.
Identifiers: ClinVar variation 1731570 (VCV001731570.2), dbSNP rs771683498, ClinGen allele CA7115176.